The following is an entry in ClinVar:

NM_000277.3(PAH):c.1108G>A (p.Glu370Lys)

Gene: PAH (phenylalanine hydroxylase; minus strand). Cytogenetic location: 12q23.2.
Variant type: single nucleotide variant.
Coding change: c.1108G>A on transcript NM_000277.3 (MANE Select); coding-DNA position 1108, G replaced by A.
Protein change: p.Glu370Lys; replaces glutamic acid 370 with lysine.
Molecular consequence: missense variant.
Genome position (GRCh38, 1-based): chr12:102,843,737, C>T on the plus strand (G>A on the coding strand, the complement: PAH is on the minus strand). VCF-style: chr12-102843737-C-T. GRCh37 (hg19) VCF-style: chr12-103237515-C-T.
Other names: c.1108G>A, p.Glu370Lys (NM_001354304.2); short protein forms E370K.
Identifiers: ClinVar variation 3907415 (VCV003907415.1).

ClinVar aggregate classification (germline): Uncertain significance (1 of 4 stars; one submission).

Submission:

Women's Health and Genetics/Laboratory Corporation of America, LabCorp
Classification: Uncertain significance. Last evaluated: 2025-06-03. Review status: criteria provided, single submitter. Criteria: LabCorp Variant Classification Summary - May 2015. Collection method: clinical testing. Allele origin: germline.
Comment: Variant summary: PAH c.1108G>A (p.Glu370Lys) results in a conservative amino acid change in the encoded protein sequence. Algorithms developed to predict the effect of missense changes on protein structure and function are either unavailable or do not agree on the potential impact of this missense change. The variant was absent in 251238 control chromosomes. The available data on variant occurrences in the general population are insufficient to allow any conclusion about variant significance. To our knowledge, no occurrence of c.1108G>A in individuals affected with Phenylalanine Hydroxylase Deficiency (Phenylketonuria) and no experimental evidence demonstrating its impact on protein function have been reported. No submitters have cited clinical-significance assessments for this variant to ClinVar. Based on the evidence outlined above, the variant was classified as uncertain significance.